The following is an entry in ClinVar:

ClinVar aggregate classification (germline): Uncertain significance (1 of 4 stars; one submission).

Conditions:
Hypertrophic cardiomyopathy. Also called: HYPERTROPHIC MYOCARDIOPATHY. Identifiers: Orphanet 217569, MedGen C0007194, MeSH D002312, MONDO:0005045, HP:0001639.

Submission:

Labcorp Genetics (formerly Invitae), Labcorp
Classification: Uncertain significance for Hypertrophic cardiomyopathy. Last evaluated: 2022-04-16. Review status: criteria provided, single submitter. Criteria: Invitae Variant Classification Sherloc (09022015). Collection method: clinical testing. Allele origin: germline.
Comment: Algorithms developed to predict the effect of missense changes on protein structure and function output the following: SIFT: "Deleterious"; PolyPhen-2: "Benign"; Align-GVGD: "Class C0". The leucine amino acid residue is found in multiple mammalian species, which suggests that this missense change does not adversely affect protein function. In summary, the available evidence is currently insufficient to determine the role of this variant in disease. Therefore, it has been classified as a Variant of Uncertain Significance. This variant has not been reported in the literature in individuals affected with TNNI3-related conditions. This variant is not present in population databases (gnomAD no frequency). This sequence change replaces phenylalanine, which is neutral and non-polar, with leucine, which is neutral and non-polar, at codon 133 of the TNNI3 protein (p.Phe133Leu).

NM_000363.5(TNNI3):c.397T>C (p.Phe133Leu)

Gene: TNNI3 (troponin I3, cardiac type; minus strand). Cytogenetic location: 19q13.42.
Variant type: single nucleotide variant.
Coding change: c.397T>C on transcript NM_000363.5 (MANE Select); coding-DNA position 397, T replaced by C.
Protein change: p.Phe133Leu; replaces phenylalanine 133 with leucine.
Molecular consequence: missense variant.
Genome position (GRCh38, 1-based): chr19:55,154,182, A>G on the plus strand (T>C on the coding strand, the complement: TNNI3 is on the minus strand). VCF-style: chr19-55154182-A-G. GRCh37 (hg19) VCF-style: chr19-55665550-A-G.
Other names: short protein forms F133L.
Identifiers: ClinVar variation 2126851 (VCV002126851.4), dbSNP rs2515498595, ClinGen allele CA407440719.
Genomic context (GRCh38, chr19:55,154,182, plus strand): 5'-CATCTGCAGAGATCCTCACTCTCCGCAGGGTGGGCCGCTTAAACTTGCCTCGAAGGTCAA[A>G]GATCTTCTGAGTCAGATCTGCAATCTGGGGGCACACGAGGGGGTGGGTACTTCTCCTTCC-3'
Protein context (NP_000354.4, residues 123-143): TEIADLTQKI[Phe133Leu]DLRGKFKRPT